The following is an entry in ClinVar:

NM_000542.5(SFTPB):c.47C>T (p.Thr16Met)

Gene: SFTPB (surfactant protein B; minus strand). Cytogenetic location: 2p11.2.
Variant type: single nucleotide variant.
Coding change: c.47C>T on transcript NM_000542.5 (MANE Select); coding-DNA position 47, C replaced by T.
Protein change: p.Thr16Met; replaces threonine 16 with methionine.
Molecular consequence: missense variant.
Genome position (GRCh38, 1-based): chr2:85,668,137, G>A on the plus strand (C>T on the coding strand, the complement: SFTPB is on the minus strand). VCF-style: chr2-85668137-G-A. GRCh37 (hg19) VCF-style: chr2-85895260-G-A.
Other names: c.47C>T, p.Thr16Met (NM_001367281.2, NM_198843.4); short protein forms T16M.
Identifiers: ClinVar variation 3892424 (VCV003892424.2).

ClinVar aggregate classification (germline): Uncertain significance. Review status: criteria provided, multiple submitters, no conflicts (2 of 4 stars). 2 submissions from 2 submitters: Uncertain significance (2). Last evaluated 2025-11-23.

Conditions:
Surfactant metabolism dysfunction, pulmonary, 1. Also called: INTERSTITIAL LUNG DISEASE DUE TO SURFACTANT PROTEIN B DEFICIENCY; INTERSTITIAL LUNG DISEASE, NONSPECIFIC, DUE TO SURFACTANT PROTEIN B DEFICIENCY; PULMONARY ALVEOLAR PROTEINOSIS, CONGENITAL, 1; Pulmonary surfactant protein B, deficiency of; Neonatal acute respiratory distress due to SP-B deficiency. Identifiers: Orphanet 217563, MedGen C1968602, MONDO:0009929, OMIM 265120.

gnomAD v4.1: 18 of 1,551,104 alleles (0.0012%); highest among the groups gnomAD compares: East Asian, 0.0024%; no homozygotes.

Submissions (2):

Labcorp Genetics (formerly Invitae), Labcorp
Classification: Uncertain significance. Last evaluated: 2025-11-23. Review status: criteria provided, single submitter. Criteria: Invitae Variant Classification Sherloc (09022015). Collection method: clinical testing. Allele origin: germline.
Comment: This sequence change replaces threonine, which is neutral and polar, with methionine, which is neutral and non-polar, at codon 28 of the SFTPB protein (p.Thr28Met). The frequency data for this variant in the population databases is considered unreliable, as metrics indicate poor data quality at this position in the gnomAD database. This variant has not been reported in the literature in individuals affected with SFTPB-related conditions. ClinVar contains an entry for this variant (Variation ID: 3892424). An algorithm developed to predict the effect of missense changes on protein structure and function outputs the following: PolyPhen-2: "Probably Damaging". The methionine amino acid residue is found in multiple mammalian species, which suggests that this missense change does not adversely affect protein function. In summary, the available evidence is currently insufficient to determine the role of this variant in disease. Therefore, it has been classified as a Variant of Uncertain Significance.

Department of Pathology and Laboratory Medicine, Sinai Health System
Classification: Uncertain significance for Surfactant metabolism dysfunction, pulmonary, 1. Last evaluated: 2021-10-13. Review status: criteria provided, single submitter. Criteria: ACMG Guidelines, 2015. Collection method: research. Allele origin: germline.